The following is an entry in ClinVar:

NM_000169.3(GLA):c.836A>T (p.Gln279Leu)

Genes: GLA (galactosidase alpha; minus strand), RPL36A-HNRNPH2 (RPL36A-HNRNPH2 readthrough; plus strand). Cytogenetic location: Xq22.1.
Variant type: single nucleotide variant.
Coding change: c.836A>T on transcript NM_000169.3 (MANE Select); coding-DNA position 836, A replaced by T.
Protein change: p.Gln279Leu; replaces glutamine 279 with leucine.
Molecular consequence: missense variant. On other transcripts: non-coding transcript variant (3), intron variant (2).
Genome position (GRCh38, 1-based): chrX:101,398,533, T>A on the plus strand (A>T on the coding strand, the complement: GLA is on the minus strand). VCF-style: chrX-101398533-T-A. GRCh37 (hg19) VCF-style: chrX-100653521-T-A.
Other names: c.959A>T, p.Gln320Leu (NM_001406747.1); c.836A>T, p.Gln279Leu (NM_001406748.1); c.300+3076T>A (NM_001199973.2); c.177+6711T>A (NM_001199974.2); short protein forms Q279L, Q320L.
Identifiers: ClinVar variation 4804140 (VCV004804140.2).
Genomic context (GRCh38, chrX:101,398,533, plus strand): 5'-TCATTAGACATGAATAAAGGAGCAGCCATGATAGCCCAGAGGGCCATCTGAGTTACTTGC[T>A]GATTCCAGCTGAGGCCAAAGTTGCCAATCACTAACTGAGAAAAAGAATGAAATAATTCAA-3'
Protein context (NP_000160.1, residues 269-289): VIGNFGLSWN[Gln279Leu]QVTQMALWAI

ClinVar aggregate classification (germline): Uncertain significance. Review status: criteria provided, multiple submitters, no conflicts (2 of 4 stars). 2 submissions from 2 submitters: Uncertain significance (2). Last evaluated 2026-09-08.

Conditions:
Fabry disease. Also called: Fabry's disease; ALPHA-GALACTOSIDASE A DEFICIENCY; ANDERSON-FABRY DISEASE; CERAMIDE TRIHEXOSIDASE DEFICIENCY; GLA DEFICIENCY; HEREDITARY DYSTOPIC LIPIDOSIS. Identifiers: Orphanet 324, MedGen C0002986, MONDO:0010526, OMIM 301500, HP:0001071. Disease mechanism: Fabry disease is due to inactivating mutations in the X-linked GLA gene resulting in deficiency of the enzyme Alpha Galactosidase-A., loss of function.

Submissions (2):

Genomenon, Inc
Classification: Uncertain significance for Fabry disease. Last evaluated: 2026-09-08. Review status: criteria provided, single submitter. Criteria: Genomenon Sequence Variant Interpretation Standards - Updated. Collection method: curation. Allele origin: germline. Affected: no.
Comment: GLA p.Gln279Leu (c.836A>T) is a missense variant that changes the amino acid at codon 279 from Glutamine to Leucine. This variant has been identified in an individual who also harbors a pathogenic variant in the same gene, suggesting that this variant is unlikely to be clinically significant (PMID:31568064). It is absent or not present at a significant frequency in gnomAD. In silico models predict that this variant is possibly or probably damaging. In conclusion, we classify GLA p.Gln279Leu (c.836A>T) as a variant of uncertain significance.

Labcorp Genetics (formerly Invitae), Labcorp
Classification: Uncertain significance for Fabry disease. Last evaluated: 2025-04-29. Review status: criteria provided, single submitter. Criteria: Invitae Variant Classification Sherloc (09022015). Collection method: clinical testing. Allele origin: germline.
Comment: This sequence change replaces glutamine, which is neutral and polar, with leucine, which is neutral and non-polar, at codon 279 of the GLA protein (p.Gln279Leu). This variant is not present in population databases (gnomAD no frequency). This variant has not been reported in the literature in individuals affected with GLA-related conditions. Invitae Evidence Modeling of protein sequence and biophysical properties (such as structural, functional, and spatial information, amino acid conservation, physicochemical variation, residue mobility, and thermodynamic stability) indicates that this missense variant is expected to disrupt GLA protein function with a positive predictive value of 80%. This variant disrupts the p.Gln279 amino acid residue in GLA. Other variant(s) that disrupt this residue have been observed in individuals with GLA-related conditions (PMID: 1315715, 11668641, 12938095), which suggests that this may be a clinically significant amino acid residue. In summary, the available evidence is currently insufficient to determine the role of this variant in disease. Therefore, it has been classified as a Variant of Uncertain Significance.

Literature cited by the submitters: PubMed 31568064 (cited by Genomenon, Inc); PubMed 1315715 (cited by Labcorp Genetics (formerly Invitae), Labcorp); PubMed 11668641 (cited by Labcorp Genetics (formerly Invitae), Labcorp); PubMed 12938095 (cited by Labcorp Genetics (formerly Invitae), Labcorp).